The following is an entry in ClinVar:

ClinVar aggregate classification (germline): Pathogenic/Likely pathogenic. Review status: criteria provided, multiple submitters, no conflicts (2 of 4 stars). 4 submissions from 4 submitters: Pathogenic (3); Likely pathogenic (1). Last evaluated 2025-05-22.

Conditions:
USH2A-related disorder. Also called: USH2A-related condition; USH2A-related disorders. Identifiers: MedGen CN239332.
Usher syndrome. Also called: Usher Syndromes; Usher's syndrome. Identifiers: Orphanet 886, MedGen CN469326, MeSH D052245, MONDO:0019501. Disease mechanism: loss of function.
Retinitis pigmentosa 39 (RP39). Identifiers: Orphanet 791, MedGen C3151138, MONDO:0013436, OMIM 613809.

Submissions (4):

Women's Health and Genetics/Laboratory Corporation of America, LabCorp
Classification: Likely pathogenic for Usher syndrome. Last evaluated: 2025-05-22. Review status: criteria provided, single submitter. Criteria: LabCorp Variant Classification Summary - May 2015. Collection method: clinical testing. Allele origin: germline.
Comment: Variant summary: USH2A c.5506C>A (p.Pro1836Thr) results in a non-conservative amino acid change in the encoded protein sequence. Algorithms developed to predict the effect of missense changes on protein structure and function are either unavailable or do not agree on the potential impact of this missense change. The variant was absent in 250734 control chromosomes. c.5506C>A has been observed in individual(s) affected with retinal degeneration and/or Usher syndrome (Zampaglione_2020, Stone_2017). These data indicate that the variant is likely to be associated with disease. To our knowledge, no experimental evidence demonstrating an impact on protein function has been reported. The following publications have been ascertained in the context of this evaluation (PMID: 32037395, 37446072, 28559085). ClinVar contains an entry for this variant (Variation ID: 866608). Based on the evidence outlined above, the variant was classified as likely pathogenic.

Genome-Nilou Lab
Classification: Pathogenic for Retinitis pigmentosa 39. Last evaluated: 2023-11-04. Review status: criteria provided, single submitter. Criteria: ACMG Guidelines, 2015. Collection method: clinical testing. Allele origin: germline. Affected: no.

Labcorp Genetics (formerly Invitae), Labcorp
Classification: Pathogenic. Last evaluated: 2023-07-16. Review status: criteria provided, single submitter. Criteria: Invitae Variant Classification Sherloc (09022015). Collection method: clinical testing. Allele origin: germline.
Comment: For these reasons, this variant has been classified as Pathogenic. Advanced modeling of protein sequence and biophysical properties (such as structural, functional, and spatial information, amino acid conservation, physicochemical variation, residue mobility, and thermodynamic stability) has been performed at Invitae for this missense variant, however the output from this modeling did not meet the statistical confidence thresholds required to predict the impact of this variant on USH2A protein function. ClinVar contains an entry for this variant (Variation ID: 866608). This missense change has been observed in individual(s) with retinal degeneration and/or Usher syndrome (PMID: 28559085, 32037395). It has also been observed to segregate with disease in related individuals. This variant is not present in population databases (gnomAD no frequency). This sequence change replaces proline, which is neutral and non-polar, with threonine, which is neutral and polar, at codon 1836 of the USH2A protein (p.Pro1836Thr).

Blueprint Genetics
Classification: Pathogenic for USH2A-related disorders. Last evaluated: 2019-05-16. Review status: criteria provided, single submitter. Criteria: ACMG Guidelines, 2015. Collection method: clinical testing. Allele origin: germline. Affected: yes. Observed: 1 variant allele.

Literature cited by the submitters: PubMed 28559085 (cited by Women's Health and Genetics/Laboratory Corporation of America, LabCorp and Labcorp Genetics (formerly Invitae), Labcorp); PubMed 32037395 (cited by Women's Health and Genetics/Laboratory Corporation of America, LabCorp and Labcorp Genetics (formerly Invitae), Labcorp); PubMed 37446072 (cited by Women's Health and Genetics/Laboratory Corporation of America, LabCorp).

NM_206933.4(USH2A):c.5506C>A (p.Pro1836Thr)

Genes: USH2A (usherin; minus strand), USH2A-AS2 (USH2A antisense RNA 2; plus strand). Cytogenetic location: 1q41.
Variant type: single nucleotide variant.
Coding change: c.5506C>A on transcript NM_206933.4 (MANE Select); coding-DNA position 5506, C replaced by A.
Protein change: p.Pro1836Thr; replaces proline 1836 with threonine.
Molecular consequence: missense variant.
Genome position (GRCh38, 1-based): chr1:216,078,155, G>T on the plus strand (C>A on the coding strand, the complement: USH2A is on the minus strand). VCF-style: chr1-216078155-G-T. GRCh37 (hg19) VCF-style: chr1-216251497-G-T.
Other names: short protein forms P1836T.
Identifiers: ClinVar variation 866608 (VCV000866608.14), dbSNP rs755032078, ClinGen allele CA344855891.